The following is an entry in ClinVar:

NM_001015878.2(AURKC):c.*38G>A

Gene: AURKC (aurora kinase C; plus strand). Cytogenetic location: 19q13.43.
Variant type: single nucleotide variant.
Coding change: c.*38G>A on transcript NM_001015878.2 (MANE Select); 38 bases downstream of the stop codon, G replaced by A.
Molecular consequence: 3 prime UTR variant.
Genome position (GRCh38, 1-based): chr19:57,235,455, G>A. VCF-style: chr19-57235455-G-A. GRCh37 (hg19) VCF-style: chr19-57746823-G-A.
Other names: c.*38G>A (NM_001015879.2, NM_003160.3).
Identifiers: ClinVar variation 894130 (VCV000894130.5), dbSNP rs35582299, ClinGen allele CA9696095.
Genomic context (GRCh38, chr19:57,235,455, plus strand): 5'-CCTGTGCTCAGATGGCTTCCTGAGCCCTGTCTGCCTCTGTTCCCTTTGTGTGTGTTCAGG[G>A]AGCTCTCCTGGCTCTGCCACCTCATTTGTCTTTATTTTTTTCTCTTTTAAGATGTAAGAT-3'

ClinVar aggregate classification (germline): Benign. Review status: criteria provided, multiple submitters, no conflicts (2 of 4 stars). 2 submissions from 2 submitters: Benign (2). Last evaluated 2017-04-27.

Conditions:
Infertility associated with multi-tailed spermatozoa and excessive DNA (SPGF5). Also called: spermatogenic failure 5; Male Infertility with Large-Headed, Multiflagellar, Polyploid Spermatozoa. Identifiers: Orphanet 137893, MedGen C0403812, MONDO:0009461, OMIM 243060.

Allele frequency attached by ClinVar (database versions not stated): 1000 Genomes Project 30x 0.01421; 1000 Genomes Project 0.01458; TOPMed 0.02708; ESP Exome Variant Server 0.02868.

Submissions (2):

Illumina Laboratory Services, Illumina
Classification: Benign for Infertility associated with multi-tailed spermatozoa and excessive DNA. Last evaluated: 2017-04-27. Review status: criteria provided, single submitter. Criteria: ICSL Variant Classification Criteria 13 December 2019. Collection method: clinical testing. Allele origin: germline.
Comment: This variant was observed as part of a predisposition screen in an ostensibly healthy population. A literature search was performed for the gene, cDNA change, and amino acid change (where applicable). No publications were found based on this search. Allele frequency data from public databases was too high to be consistent with this variant causing disease. Therefore, this variant is classified as benign.

Breakthrough Genomics
Classification: Benign. Review status: criteria provided, single submitter. Criteria: ACMG Guidelines, 2015. Collection method: not provided. Allele origin: germline. Inheritance: Autosomal recessive inheritance. Affected: yes.